The following is an entry in ClinVar:

NM_001174147.2(LMX1B):c.888G>A (p.Glu296=)

Gene: LMX1B (LIM homeobox transcription factor 1 beta; plus strand). Cytogenetic location: 9q33.3.
Variant type: single nucleotide variant.
Coding change: c.888G>A on transcript NM_001174147.2 (MANE Select); coding-DNA position 888, G replaced by A.
Protein change: p.Glu296=; no amino-acid change (glutamic acid 296 retained).
Molecular consequence: synonymous variant.
Genome position (GRCh38, 1-based): chr9:126,695,840, G>A. VCF-style: chr9-126695840-G-A. GRCh37 (hg19) VCF-style: chr9-129458119-G-A.
Other names: c.921G>A, p.Glu307= (NM_001174146.2); c.888G>A, p.Glu296= (NM_002316.4).
Identifiers: ClinVar variation 3679095 (VCV003679095.2).

ClinVar aggregate classification (germline): Uncertain significance (1 of 4 stars; one submission).

gnomAD v4.1: 3 of 1,612,844 alleles (0.00019%); highest among the groups gnomAD compares: Admixed American, 0.0017%; no homozygotes.

Submission:

Labcorp Genetics (formerly Invitae), Labcorp
Classification: Uncertain significance. Last evaluated: 2024-11-21. Review status: criteria provided, single submitter. Criteria: Invitae Variant Classification Sherloc (09022015). Collection method: clinical testing. Allele origin: germline.
Comment: This sequence change affects codon 296 of the LMX1B mRNA. It is a 'silent' change, meaning that it does not change the encoded amino acid sequence of the LMX1B protein. This variant is not present in population databases (gnomAD no frequency). This variant has not been reported in the literature in individuals affected with LMX1B-related conditions. Algorithms developed to predict the effect of sequence changes on RNA splicing suggest that this variant may create or strengthen a splice site. In summary, the available evidence is currently insufficient to determine the role of this variant in disease. Therefore, it has been classified as a Variant of Uncertain Significance.